The following is an entry in ClinVar:

NM_024675.4(PALB2):c.136_148del (p.His46fs)

Gene: PALB2 (partner and localizer of BRCA2; minus strand). Cytogenetic location: 16p12.2.
Variant type: Deletion.
Coding change: c.136_148del on transcript NM_024675.4 (MANE Select); coding-DNA positions 136 to 148, 13 bases deleted (CATTCTATTAAGA).
Protein change: p.His46fs; shifts the reading frame from histidine 46.
Molecular consequence: frameshift variant.
Genome position (GRCh38, 1-based): chr16:23,637,913-23,637,925, TCTTAATAGAATG deleted on the plus strand (CATTCTATTAAGA on the coding strand, the reverse complement: PALB2 is on the minus strand). VCF-style (leftmost placement, unchanged base first): chr16-23637912-TTCTTAATAGAATG-T. GRCh37 (hg19) VCF-style: chr16-23649233-TTCTTAATAGAATG-T.
Other names: short protein forms H46fs.
Identifiers: ClinVar variation 1385156 (VCV001385156.9), dbSNP rs2142457035, ClinGen allele CA2573152323.

ClinVar aggregate classification (germline): Pathogenic. Review status: criteria provided, multiple submitters, no conflicts (2 of 4 stars). 2 submissions from 2 submitters: Pathogenic (2). Last evaluated 2022-09-24.

Conditions:
Hereditary cancer-predisposing syndrome. Also called: Tumor predisposition; Neoplastic Syndromes, Hereditary; Hereditary Cancer Syndrome; Hereditary neoplastic syndrome. Identifiers: Orphanet 140162, MedGen C0027672, MeSH D009386, MONDO:0015356.
Familial cancer of breast. Also called: Hereditary breast cancer; BREAST CANCER, FAMILIAL; hereditary breast carcinoma. Identifiers: Orphanet 227535, MedGen C0346153, MONDO:0016419, OMIM 114480. Disease mechanism: loss of function.

Submissions (2):

Ambry Genetics
Classification: Pathogenic for Hereditary cancer-predisposing syndrome. Last evaluated: 2022-09-24. Review status: criteria provided, single submitter. Criteria: Ambry Variant Classification Scheme 2023. Collection method: clinical testing. Allele origin: germline.
Comment: The c.136_148del13 pathogenic mutation, located in coding exon 3 of the PALB2 gene, results from a deletion of 13 nucleotides at nucleotide positions 136 to 148, causing a translational frameshift with a predicted alternate stop codon (p.H46Kfs*3). This variant is considered to be rare based on population cohorts in the Genome Aggregation Database (gnomAD). This alteration is expected to result in loss of function by premature protein truncation or nonsense-mediated mRNA decay. As such, this alteration is interpreted as a disease-causing mutation.

Labcorp Genetics (formerly Invitae), Labcorp
Classification: Pathogenic for Familial cancer of breast. Last evaluated: 2021-11-12. Review status: criteria provided, single submitter. Criteria: Invitae Variant Classification Sherloc (09022015). Collection method: clinical testing. Allele origin: germline.
Comment: This variant is not present in population databases (gnomAD no frequency). For these reasons, this variant has been classified as Pathogenic. This variant has not been reported in the literature in individuals affected with PALB2-related conditions. This sequence change creates a premature translational stop signal (p.His46Lysfs*3) in the PALB2 gene. It is expected to result in an absent or disrupted protein product. Loss-of-function variants in PALB2 are known to be pathogenic (PMID: 17200668, 17200671, 17200672, 24136930, 25099575).

Literature cited by the submitters: PubMed 17200668 (cited by Labcorp Genetics (formerly Invitae), Labcorp); PubMed 17200671 (cited by Labcorp Genetics (formerly Invitae), Labcorp); PubMed 17200672 (cited by Labcorp Genetics (formerly Invitae), Labcorp); PubMed 24136930 (cited by Labcorp Genetics (formerly Invitae), Labcorp); PubMed 25099575 (cited by Labcorp Genetics (formerly Invitae), Labcorp).